The following is an entry in ClinVar:

ClinVar aggregate classification (germline): Uncertain significance (1 of 4 stars; one submission).

Submission:

GeneDx
Classification: Uncertain significance. Last evaluated: 2023-06-30. Review status: criteria provided, single submitter. Criteria: GeneDx Variant Classification Process June 2021. Collection method: clinical testing. Allele origin: germline. Affected: yes.
Comment: Not observed at significant frequency in large population cohorts (gnomAD); In silico analysis supports that this missense variant does not alter protein structure/function; Has not been previously published as pathogenic or benign to our knowledge

NM_001348800.3(ZBTB20):c.907T>G (p.Ser303Ala)

Gene: ZBTB20 (zinc finger and BTB domain containing 20; minus strand). Cytogenetic location: 3q13.31.
Variant type: single nucleotide variant.
Coding change: c.907T>G on transcript NM_001348800.3 (MANE Select); coding-DNA position 907, T replaced by G.
Protein change: p.Ser303Ala; replaces serine 303 with alanine.
Molecular consequence: missense variant.
Genome position (GRCh38, 1-based): chr3:114,351,171, A>C on the plus strand (T>G on the coding strand, the complement: ZBTB20 is on the minus strand). VCF-style: chr3-114351171-A-C. GRCh37 (hg19) VCF-style: chr3-114070018-A-C.
Other names: c.907T>G, p.Ser303Ala (NM_001164342.2, NM_001348803.3, NM_001393393.1 and 1 more transcripts); c.688T>G, p.Ser230Ala (NM_001164343.2, NM_001164344.4, NM_001164345.4 and 9 more transcripts); short protein forms S230A, S303A.
Identifiers: ClinVar variation 3360732 (VCV003360732.1).